The following is an entry in ClinVar:

ClinVar aggregate classification (germline): Likely pathogenic (1 of 4 stars; one submission).

Conditions:
Intellectual disability. Also called: Intellectual functioning disability; intellectual disabilities; Intellectual developmental disorder. Identifiers: MedGen C3714756, MeSH D008607, MONDO:0001071, HP:0001249.

Submission:

Genetics Laboratory, UDIAT-Centre Diagnòstic, Hospital Universitari Parc Tauli
Classification: Likely pathogenic for intellectual disability. Last evaluated: 2024-12-23. Review status: criteria provided, single submitter. Criteria: ACMG Guidelines, 2015. Collection method: clinical testing. Allele origin: unknown. Inheritance: Autosomal dominant inheritance. Affected: yes.
Comment: PS2_strong;PM2_supporting;PP2_supporting;PP3_supporting

NM_002568.4(PABPC1):c.134A>G (p.Asp45Gly)

Gene: PABPC1 (poly(A) binding protein cytoplasmic 1; minus strand). Cytogenetic location: 8q22.3.
Variant type: single nucleotide variant.
Coding change: c.134A>G on transcript NM_002568.4 (MANE Select); coding-DNA position 134, A replaced by G.
Protein change: p.Asp45Gly; replaces aspartic acid 45 with glycine.
Molecular consequence: missense variant.
Genome position (GRCh38, 1-based): chr8:100,721,450, T>C on the plus strand (A>G on the coding strand, the complement: PABPC1 is on the minus strand). VCF-style: chr8-100721450-T-C. GRCh37 (hg19) VCF-style: chr8-101733678-T-C.
Other names: short protein forms D45G.
Identifiers: ClinVar variation 3897613 (VCV003897613.1).